The following is an entry in ClinVar:

ClinVar aggregate classification (germline): Uncertain significance. Review status: criteria provided, multiple submitters, no conflicts (2 of 4 stars). 3 submissions from 3 submitters: Uncertain significance (3). Last evaluated 2026-08-03.

Conditions:
Peroxisome biogenesis disorder 7A (Zellweger). Also called: Peroxisome biogenesis disorder 7A. Identifiers: Orphanet 912, MedGen C3888385, MONDO:0013938, OMIM 614872.
Peroxisome biogenesis disorder 7B (PBD7B). Identifiers: Orphanet 44, MedGen C3553951, MONDO:0013939, OMIM 614873.
PEX26-related disorder. Also called: PEX26-related condition.

Allele frequency attached by ClinVar (database versions not stated): gnomAD exomes 0.00001; TOPMed 0.00001.

Submissions (3):

PreventionGenetics, part of Exact Sciences
Classification: Uncertain significance for PEX26-related condition. Last evaluated: 2026-08-03. Review status: criteria provided, single submitter. Criteria: ACMG Guidelines, 2015. Collection method: clinical testing. Allele origin: germline.
Comment: The PEX26 c.262G>T variant is predicted to result in the amino acid substitution p.Val88Leu. To our knowledge, this variant has not been reported in the literature. This variant is reported in 0.0018% of alleles in individuals of European (Non-Finnish) descent in gnomAD. At this time, the clinical significance of this variant is uncertain due to the absence of conclusive functional and genetic evidence.

Labcorp Genetics (formerly Invitae), Labcorp
Classification: Uncertain significance for Peroxisome biogenesis disorder 7A (Zellweger); Peroxisome biogenesis disorder 7B. Last evaluated: 2022-06-30. Review status: criteria provided, single submitter. Criteria: Invitae Variant Classification Sherloc (09022015). Collection method: clinical testing. Allele origin: germline.
Comment: This sequence change replaces valine, which is neutral and non-polar, with leucine, which is neutral and non-polar, at codon 88 of the PEX26 protein (p.Val88Leu). This variant is present in population databases (rs555951210, gnomAD 0.002%). This variant has not been reported in the literature in individuals affected with PEX26-related conditions. ClinVar contains an entry for this variant (Variation ID: 1335472). Algorithms developed to predict the effect of missense changes on protein structure and function are either unavailable or do not agree on the potential impact of this missense change (SIFT: "Tolerated"; PolyPhen-2: "Possibly Damaging"; Align-GVGD: "Class C0"). In summary, the available evidence is currently insufficient to determine the role of this variant in disease. Therefore, it has been classified as a Variant of Uncertain Significance.

CeGaT Center for Human Genetics Tuebingen
Classification: Uncertain significance. Last evaluated: 2021-11-01. Review status: criteria provided, single submitter. Criteria: CeGaT Center For Human Genetics Tuebingen Variant Classification Criteria Version 2. Collection method: clinical testing. Allele origin: germline. Affected: yes. Observed: 1 variant allele.

NM_001127649.3(PEX26):c.262G>T (p.Val88Leu)

Gene: PEX26 (peroxisomal biogenesis factor 26; plus strand). Cytogenetic location: 22q11.21.
Variant type: single nucleotide variant.
Coding change: c.262G>T on transcript NM_001127649.3 (MANE Select); coding-DNA position 262, G replaced by T.
Protein change: p.Val88Leu; replaces valine 88 with leucine.
Molecular consequence: missense variant.
Genome position (GRCh38, 1-based): chr22:18,079,905, G>T. VCF-style: chr22-18079905-G-T. GRCh37 (hg19) VCF-style: chr22-18562671-G-T.
Other names: c.262G>T (NM_017929.5); c.262G>T, p.Val88Leu (NM_001199319.2, NM_017929.6); short protein forms V88L.
Identifiers: ClinVar variation 1335472 (VCV001335472.37), dbSNP rs555951210, ClinGen allele CA321285397.